The following is an entry in ClinVar:

ClinVar aggregate classification (germline): Uncertain significance (1 of 4 stars; one submission).

Conditions:
Short-rib thoracic dysplasia 6 with or without polydactyly (SRTD6). Also called: POLYDACTYLY WITH NEONATAL CHONDRODYSTROPHY, TYPE II; SHORT RIB-POLYDACTYLY SYNDROME, TYPE IIA; SHORT-RIB THORACIC DYSPLASIA 6 WITH POLYDACTYLY; SHORT-RIB THORACIC DYSPLASIA 6 WITHOUT POLYDACTYLY; Majewski Syndrome. Identifiers: MedGen C0024507, MONDO:0009894, OMIM 263520.

gnomAD v4.1: 24 of 1,613,776 alleles (0.0015%); highest among the groups gnomAD compares: African/African-American, 0.029%; no homozygotes.

Submission:

Labcorp Genetics (formerly Invitae), Labcorp
Classification: Uncertain significance for Short-rib thoracic dysplasia 6 with or without polydactyly. Last evaluated: 2025-06-26. Review status: criteria provided, single submitter. Criteria: Invitae Variant Classification Sherloc (09022015). Collection method: clinical testing. Allele origin: germline.
Comment: This sequence change replaces alanine, which is neutral and non-polar, with valine, which is neutral and non-polar, at codon 1014 of the NEK1 protein (p.Ala1014Val). This variant is present in population databases (rs367836027, gnomAD 0.03%). This missense change has been observed in individual(s) with clinical features of amyotrophic lateral sclerosis (PMID: 37952009). Invitae Evidence Modeling of protein sequence and biophysical properties (such as structural, functional, and spatial information, amino acid conservation, physicochemical variation, residue mobility, and thermodynamic stability) indicates that this missense variant is not expected to disrupt NEK1 protein function with a negative predictive value of 80%. In summary, the available evidence is currently insufficient to determine the role of this variant in disease. Therefore, it has been classified as a Variant of Uncertain Significance.

Literature cited by the submitters: PubMed 37952009.

NM_001199397.3(NEK1):c.3125C>T (p.Ala1042Val)

Gene: NEK1 (NIMA related kinase 1; minus strand). Cytogenetic location: 4q33.
Variant type: single nucleotide variant.
Coding change: c.3125C>T on transcript NM_001199397.3 (MANE Select); coding-DNA position 3125, C replaced by T.
Protein change: p.Ala1042Val; replaces alanine 1042 with valine.
Molecular consequence: missense variant. On other transcripts: non-coding transcript variant (1).
Genome position (GRCh38, 1-based): chr4:169,424,650, G>A on the plus strand (C>T on the coding strand, the complement: NEK1 is on the minus strand). VCF-style: chr4-169424650-G-A. GRCh37 (hg19) VCF-style: chr4-170345801-G-A.
Other names: c.2993C>T, p.Ala998Val (NM_001199398.3); c.2834C>T, p.Ala945Val (NM_001199399.3); c.2909C>T, p.Ala970Val (NM_001199400.3); c.3125C>T, p.Ala1042Val (NM_001374418.1); c.3041C>T, p.Ala1014Val (NM_001374419.1, NM_012224.4); c.2990C>T, p.Ala997Val (NM_001374420.1); c.2642C>T, p.Ala881Val (NM_001374421.1); c.2948C>T, p.Ala983Val (NM_001440620.1); and 5 more; short protein forms A881V, A911V, A983V, A955V, A1042V, A939V, A998V, A1014V.
Identifiers: ClinVar variation 4745913 (VCV004745913.1).